The following is an entry in ClinVar:

NM_001042492.3(NF1):c.781A>C (p.Lys261Gln)

Gene: NF1 (neurofibromin 1; plus strand). Cytogenetic location: 17q11.2.
Variant type: single nucleotide variant.
Coding change: c.781A>C on transcript NM_001042492.3 (MANE Select); coding-DNA position 781, A replaced by C.
Protein change: p.Lys261Gln; replaces lysine 261 with glutamine.
Molecular consequence: missense variant.
Genome position (GRCh38, 1-based): chr17:31,182,558, A>C. VCF-style: chr17-31182558-A-C. GRCh37 (hg19) VCF-style: chr17-29509576-A-C.
Other names: c.781A>C, p.Lys261Gln (NM_000267.4, NM_001128147.3); short protein forms K261Q.
Identifiers: ClinVar variation 933893 (VCV000933893.6), dbSNP rs2066156804, ClinGen allele CA398990815.

ClinVar aggregate classification (germline): Uncertain significance (1 of 4 stars; one submission).

Conditions:
Neurofibromatosis, type 1 (NF1). Also called: VON RECKLINGHAUSEN DISEASE; Peripheral type neurofibromatosis; Neurofibromatosis, type I; NEUROFIBROMATOSIS, TYPE I, SOMATIC. Identifiers: Orphanet 636, MedGen C0027831, MONDO:0018975, OMIM 162200. Disease mechanism: loss of function.

Submission:

Labcorp Genetics (formerly Invitae), Labcorp
Classification: Uncertain significance for Neurofibromatosis, type 1. Last evaluated: 2019-09-23. Review status: criteria provided, single submitter. Criteria: Invitae Variant Classification Sherloc (09022015). Collection method: clinical testing. Allele origin: germline.
Comment: This variant has not been reported in the literature in individuals with NF1-related conditions. This variant is not present in population databases (ExAC no frequency). This sequence change replaces lysine with glutamine at codon 261 of the NF1 protein (p.Lys261Gln). The lysine residue is moderately conserved and there is a small physicochemical difference between lysine and glutamine. Algorithms developed to predict the effect of missense changes on protein structure and function (SIFT, PolyPhen-2, Align-GVGD) all suggest that this variant is likely to be tolerated, but these predictions have not been confirmed by published functional studies and their clinical significance is uncertain. In summary, the available evidence is currently insufficient to determine the role of this variant in disease. Therefore, it has been classified as a Variant of Uncertain Significance.